The following is an entry in ClinVar:

NM_001128164.2(ATXN1):c.1503G>A (p.Ala501=)

Gene: ATXN1 (ataxin 1; minus strand). Cytogenetic location: 6p22.3.
Variant type: single nucleotide variant.
Coding change: c.1503G>A on transcript NM_001128164.2 (MANE Select); coding-DNA position 1503, G replaced by A.
Protein change: p.Ala501=; no amino-acid change (alanine 501 retained).
Molecular consequence: synonymous variant. On other transcripts: 3 prime UTR variant (1).
Genome position (GRCh38, 1-based): chr6:16,326,808, C>T on the plus strand (G>A on the coding strand, the complement: ATXN1 is on the minus strand). VCF-style: chr6-16326808-C-T. GRCh37 (hg19) VCF-style: chr6-16327039-C-T.
Other names: c.1503G>A, p.Ala501= (NM_000332.4); c.*916G>A (NM_001357857.2).
Identifiers: ClinVar variation 3057574 (VCV003057574.2), dbSNP rs201987168, ClinGen allele CA3645320.

ClinVar aggregate classification (germline): Likely benign (0 of 4 stars; one submission).

Conditions:
ATXN1-related disorder. Also called: ATXN1-related condition.

Allele frequency attached by ClinVar (database versions not stated): gnomAD exomes 0.00011; TOPMed 0.00013; gnomAD 0.00014; ESP Exome Variant Server 0.00015.
gnomAD v4.1: 186 of 1,608,208 alleles (0.012%); highest among the groups gnomAD compares: South Asian, 0.056%; 3 homozygotes.

Submission:

PreventionGenetics, part of Exact Sciences
Classification: Likely benign for ATXN1-related condition. Last evaluated: 2019-03-25. Review status: no assertion criteria provided. Collection method: clinical testing. Allele origin: germline.
Comment: This variant is classified as likely benign based on ACMG/AMP sequence variant interpretation guidelines (Richards et al. 2015 PMID: 25741868, with internal and published modifications).